The following is an entry in ClinVar:

ClinVar aggregate classification (germline): Uncertain significance (1 of 4 stars; one submission).

gnomAD v4.1: 17 of 1,134,937 alleles (0.0015%); highest among the groups gnomAD compares: South Asian, 0.031%; 1 homozygote.

Submission:

Labcorp Genetics (formerly Invitae), Labcorp
Classification: Uncertain significance. Last evaluated: 2025-10-30. Review status: criteria provided, single submitter. Criteria: Invitae Variant Classification Sherloc (09022015). Collection method: clinical testing. Allele origin: germline.
Comment: This sequence change replaces glycine, which is neutral and non-polar, with serine, which is neutral and polar, at codon 46 of the LAGE3 protein (p.Gly46Ser). The frequency data for this variant in the population databases is considered unreliable, as metrics indicate poor data quality at this position in the gnomAD database. This variant has not been reported in the literature in individuals affected with LAGE3-related conditions. An algorithm developed to predict the effect of missense changes on protein structure and function outputs the following: PolyPhen-2: "Benign". The serine amino acid residue is found in multiple mammalian species, which suggests that this missense change does not adversely affect protein function. In summary, the available evidence is currently insufficient to determine the role of this variant in disease. Therefore, it has been classified as a Variant of Uncertain Significance.

NM_006014.5(LAGE3):c.136G>A (p.Gly46Ser)

Genes: LAGE3 (L antigen family member 3; minus strand), LOC130068876 (ATAC-STARR-seq lymphoblastoid silent region 21109; plus strand). Cytogenetic location: Xq28.
Variant type: single nucleotide variant.
Coding change: c.136G>A on transcript NM_006014.5 (MANE Select); coding-DNA position 136, G replaced by A.
Protein change: p.Gly46Ser; replaces glycine 46 with serine.
Molecular consequence: missense variant.
Genome position (GRCh38, 1-based): chrX:154,478,780, C>T on the plus strand (G>A on the coding strand, the complement: LAGE3 is on the minus strand). VCF-style: chrX-154478780-C-T. GRCh37 (hg19) VCF-style: chrX-153707119-C-T.
Other names: short protein forms G46S.
Identifiers: ClinVar variation 4691495 (VCV004691495.1).